The following is an entry in ClinVar:

NM_006612.6(KIF1C):c.2647G>C (p.Glu883Gln)

Gene: KIF1C (kinesin family member 1C; plus strand). Cytogenetic location: 17p13.2.
Variant type: single nucleotide variant.
Coding change: c.2647G>C on transcript NM_006612.6 (MANE Select); coding-DNA position 2647, G replaced by C.
Protein change: p.Glu883Gln; replaces glutamic acid 883 with glutamine.
Molecular consequence: missense variant.
Genome position (GRCh38, 1-based): chr17:5,023,486, G>C. VCF-style: chr17-5023486-G-C. GRCh37 (hg19) VCF-style: chr17-4926781-G-C.
Other names: p.Glu883Gln; short protein forms E883Q.
Identifiers: ClinVar variation 4092418 (VCV004092418.2).

ClinVar aggregate classification (germline): Conflicting classifications of pathogenicity. Review status: criteria provided, conflicting classifications (1 of 4 stars). 2 submissions from 2 submitters: Uncertain significance (1); Likely benign (1). Last evaluated 2025-08-06.

Conditions:
Inborn genetic diseases. Identifiers: MedGen C0950123, MeSH D030342.

gnomAD v4.1: 63 of 1,614,068 alleles (0.0039%); highest among the groups gnomAD compares: African/African-American, 0.083%; no homozygotes.

Submissions (2):

Ambry Genetics
Classification: Uncertain significance for Inborn genetic diseases. Last evaluated: 2025-08-06. Review status: criteria provided, single submitter. Criteria: Ambry Variant Classification Scheme 2023. Collection method: clinical testing. Allele origin: germline.

Mayo Clinic Laboratories, Mayo Clinic
Classification: Likely benign. Last evaluated: 2025-03-24. Review status: criteria provided, single submitter. Criteria: ACMG Guidelines, 2015. Collection method: clinical testing. Allele origin: germline. Observed: 1 variant allele.
Comment: BS1, BP4